The following is an entry in ClinVar:

NM_017866.6(TMEM70):c.709G>T (p.Gly237Cys)

Gene: TMEM70 (transmembrane protein 70; plus strand). Cytogenetic location: 8q21.11.
Variant type: single nucleotide variant.
Coding change: c.709G>T on transcript NM_017866.6 (MANE Select); coding-DNA position 709, G replaced by T.
Protein change: p.Gly237Cys; replaces glycine 237 with cysteine.
Molecular consequence: missense variant. On other transcripts: 3 prime UTR variant (1), non-coding transcript variant (1).
Genome position (GRCh38, 1-based): chr8:73,981,547, G>T. VCF-style: chr8-73981547-G-T. GRCh37 (hg19) VCF-style: chr8-74893782-G-T.
Other names: c.*399G>T (NM_001040613.3); short protein forms G237C.
Identifiers: ClinVar variation 2041392 (VCV002041392.4), dbSNP rs2536396347, ClinGen allele CA371490571.

ClinVar aggregate classification (germline): Uncertain significance (1 of 4 stars; one submission).

Conditions:
Mitochondrial complex V (ATP synthase) deficiency, nuclear type 2. Also called: ENCEPHALOCARDIOMYOPATHY, MITOCHONDRIAL, NEONATAL, DUE TO ATP SYNTHASE DEFICIENCY; Nuclear-Encoded ATPase Deficiency, TMEM70-Related; MITOCHONDRIAL COMPLEX V (ATP SYNTHASE) DEFICIENCY, TMEM70 TYPE. Identifiers: Orphanet 1194, MedGen C3279699, MONDO:0013546, OMIM 614052.

Submission:

Labcorp Genetics (formerly Invitae), Labcorp
Classification: Uncertain significance for Mitochondrial complex V (ATP synthase) deficiency, nuclear type 2. Last evaluated: 2022-06-28. Review status: criteria provided, single submitter. Criteria: Invitae Variant Classification Sherloc (09022015). Collection method: clinical testing. Allele origin: germline.
Comment: This variant is not present in population databases (gnomAD no frequency). In summary, the available evidence is currently insufficient to determine the role of this variant in disease. Therefore, it has been classified as a Variant of Uncertain Significance. Algorithms developed to predict the effect of missense changes on protein structure and function (SIFT, PolyPhen-2, Align-GVGD) all suggest that this variant is likely to be disruptive. This variant has not been reported in the literature in individuals affected with TMEM70-related conditions. This sequence change replaces glycine, which is neutral and non-polar, with cysteine, which is neutral and slightly polar, at codon 237 of the TMEM70 protein (p.Gly237Cys).